The following is an entry in ClinVar:

NM_001009944.3(PKD1):c.10353C>T (p.Asp3451=)

Gene: PKD1 (polycystin 1, transient receptor potential channel interacting; minus strand). Cytogenetic location: 16p13.3.
Variant type: single nucleotide variant.
Coding change: c.10353C>T on transcript NM_001009944.3 (MANE Select); coding-DNA position 10353, C replaced by T.
Protein change: p.Asp3451=; no amino-acid change (aspartic acid 3451 retained).
Molecular consequence: synonymous variant.
Genome position (GRCh38, 1-based): chr16:2,097,371, G>A on the plus strand (C>T on the coding strand, the complement: PKD1 is on the minus strand). VCF-style: chr16-2097371-G-A. GRCh37 (hg19) VCF-style: chr16-2147372-G-A.
Other names: c.10350C>T, p.Asp3450= (NM_000296.4).
Identifiers: ClinVar variation 4280941 (VCV004280941.7).

ClinVar aggregate classification (germline): Likely benign (1 of 4 stars; one submission).

gnomAD v4.1: 32 of 1,611,652 alleles (0.002%); highest among the groups gnomAD compares: Admixed American, 0.0033%; no homozygotes.

Submission:

CeGaT Center for Human Genetics Tuebingen
Classification: Likely benign. Last evaluated: 2025-09-01. Review status: criteria provided, single submitter. Criteria: CeGaT Center For Human Genetics Tuebingen Variant Classification Criteria Version 2. Collection method: clinical testing. Allele origin: germline. Affected: yes. Observed: 1 variant allele.
Comment: PKD1: BP4, BP7